The following is an entry in ClinVar:

ClinVar aggregate classification (germline): Uncertain significance. Review status: criteria provided, multiple submitters, no conflicts (2 of 4 stars). 2 submissions from 2 submitters: Uncertain significance (2). Last evaluated 2025-09-15.

Conditions:
Infantile-onset X-linked spinal muscular atrophy. Also called: Spinal Muscular Atrophy, X-Linked Infantile; SPINAL MUSCULAR ATROPHY, X-LINKED LETHAL INFANTILE; AMC, DISTAL, X-LINKED; ARTHROGRYPOSIS, X-LINKED, TYPE I; Spinal muscular atrophy, X-linked 2. Identifiers: Orphanet 1145, MedGen C1844934, MONDO:0010532, OMIM 301830.

Allele frequency attached by ClinVar (database versions not stated): gnomAD exomes below 0.00001.
gnomAD v4.1: 1 of 1,203,988 alleles (0.000083%); highest among the groups gnomAD compares: Non-Finnish European, 0.00011%; no homozygotes.

Submissions (2):

Labcorp Genetics (formerly Invitae), Labcorp
Classification: Uncertain significance for Infantile-onset X-linked spinal muscular atrophy. Last evaluated: 2025-09-15. Review status: criteria provided, single submitter. Criteria: Invitae Variant Classification Sherloc (09022015). Collection method: clinical testing. Allele origin: germline.
Comment: This sequence change replaces threonine, which is neutral and polar, with methionine, which is neutral and non-polar, at codon 531 of the UBA1 protein (p.Thr531Met). This variant is not present in population databases (gnomAD no frequency). This variant has not been reported in the literature in individuals affected with UBA1-related conditions. ClinVar contains an entry for this variant (Variation ID: 2438455). An algorithm developed to predict the effect of missense changes on protein structure and function (PolyPhen-2) suggests that this variant is likely to be disruptive. In summary, the available evidence is currently insufficient to determine the role of this variant in disease. Therefore, it has been classified as a Variant of Uncertain Significance.

Revvity Omics, Revvity
Classification: Uncertain significance for Infantile-onset X-linked spinal muscular atrophy. Last evaluated: 2021-06-26. Review status: criteria provided, single submitter. Criteria: ACMG Guidelines, 2015. Collection method: clinical testing. Allele origin: germline.

NM_003334.4(UBA1):c.1592C>T (p.Thr531Met)

Gene: UBA1 (ubiquitin like modifier activating enzyme 1; plus strand). Cytogenetic location: Xp11.3.
Variant type: single nucleotide variant.
Coding change: c.1592C>T on transcript NM_003334.4 (MANE Select); coding-DNA position 1592, C replaced by T.
Protein change: p.Thr531Met; replaces threonine 531 with methionine.
Molecular consequence: missense variant.
Genome position (GRCh38, 1-based): chrX:47,205,964, C>T. VCF-style: chrX-47205964-C-T. GRCh37 (hg19) VCF-style: chrX-47065363-C-T.
Other names: c.1592C>T, p.Thr531Met (NM_153280.3); short protein forms T531M.
Identifiers: ClinVar variation 2438455 (VCV002438455.5), dbSNP rs1556790765, ClinGen allele CA412801113.
Genomic context (GRCh38, chrX:47,205,964, plus strand): 5'-TTCCCCCATCCCCACCCTGGAACTGCACTTTCTTAACCCTTTAGAAGTTAAAGTCTGACA[C>T]GGCTGCTGCAGCTGTGCGCCAAATGAATCCACATATCCGGGTGACAAGCCACCAGAACCG-3'
Protein context (NP_003325.2, residues 521-541): PWDVTKLKSD[Thr531Met]AAAAVRQMNP